The following is an entry in ClinVar:

ClinVar aggregate classification (germline): Uncertain significance (1 of 4 stars; one submission).

Submission:

Labcorp Genetics (formerly Invitae), Labcorp
Classification: Uncertain significance. Last evaluated: 2023-02-21. Review status: criteria provided, single submitter. Criteria: Invitae Variant Classification Sherloc (09022015). Collection method: clinical testing. Allele origin: unknown.
Comment: This variant is a gross deletion of the genomic region encompassing exon(s) 2 of the RP1L1 gene, which includes the initiator codon. This deletion extends beyond the assayed region for this gene and therefore may encompass additional genes. It is expected to result in an absent or disrupted protein product. However, the current clinical and genetic evidence is not sufficient to establish whether loss-of-function variants in RP1L1 cause disease. This variant has not been reported in the literature in individuals affected with RP1L1-related conditions. In summary, the available evidence is currently insufficient to determine the role of this variant in disease. Therefore, it has been classified as a Variant of Uncertain Significance.

NC_000008.10:g.(?_10480083)_(10480711_?)del

Gene: RP1L1 (RP1 like 1). Cytogenetic location: 8p23.1.
Variant type: Deletion.
Identifiers: ClinVar variation 3245617 (VCV003245617.1).